The following is an entry in ClinVar:

NM_001267550.2(TTN):c.38122+2T>C

Gene: TTN (titin; minus strand). Cytogenetic location: 2q31.2.
Variant type: single nucleotide variant.
Coding change: c.38122+2T>C on transcript NM_001267550.2 (MANE Select); the canonical splice donor site of the intron after coding-DNA position 38122, T replaced by C.
Molecular consequence: splice donor variant. On other transcripts: intron variant (5).
Genome position (GRCh38, 1-based): chr2:178,654,910, A>G on the plus strand (T>C on the coding strand, the complement: TTN is on the minus strand). VCF-style: chr2-178654910-A-G. GRCh37 (hg19) VCF-style: chr2-179519637-A-G.
Other names: c.13283-12593T>C (NM_003319.4); c.13859-12593T>C (NM_133437.4); c.13658-12593T>C (NM_133432.3); c.31742-2369T>C (NM_133378.4); c.34523-2369T>C (NM_001256850.1).
Identifiers: ClinVar variation 202363 (VCV000202363.14), dbSNP rs781392575, ClinGen allele CA309206.

ClinVar aggregate classification (germline): Conflicting classifications of pathogenicity. Review status: criteria provided, conflicting classifications (1 of 4 stars). 7 submissions from 7 submitters: Likely pathogenic (2); Uncertain significance (4); Likely benign (1). Last evaluated 2026-05-01.

Conditions:
Myopathy, myofibrillar, 9, with early respiratory failure (MFM9). Also called: Hereditary myopathy with early respiratory failure; EDSTROM MYOPATHY; Myopathy, distal, with early respiratory failure, autosomal dominant; MYOPATHY, PROXIMAL, WITH EARLY RESPIRATORY MUSCLE INVOLVEMENT. Identifiers: Orphanet 178464, Orphanet 34521, MedGen C1863599, MONDO:0011362, OMIM 603689.
Early-onset myopathy with fatal cardiomyopathy (CMYO5). Also called: CONGENITAL MYOPATHY 5 WITH CARDIOMYOPATHY; Salih Myopathy. Identifiers: Orphanet 289377, MedGen C2673677, MONDO:0012714, OMIM 611705. Disease mechanism: loss of function.
TTN-related disorder. Also called: TTN-related disorders; TTN-related condition; TTN-related disease.

Allele frequency attached by ClinVar (database versions not stated): ExAC below 0.00001; gnomAD exomes 0.00011; gnomAD 0.00014.

Submissions (7):

CeGaT Center for Human Genetics Tuebingen
Classification: Likely benign. Last evaluated: 2026-05-01. Review status: criteria provided, single submitter. Criteria: CeGaT Center For Human Genetics Tuebingen Variant Classification Criteria Version 2. Collection method: clinical testing. Allele origin: germline. Affected: yes. Observed: 1 variant allele.
Comment: TTN: BS2

Dasa
Classification: Uncertain significance. Last evaluated: 2026-03-20. Review status: criteria provided, single submitter. Criteria: DASA Assertion Criteria. Collection method: clinical testing. Allele origin: germline.
Comment: NM_001267550.2(TTN):c.38122+2T>C affects a canonical splice site and is predicted to disrupt normal RNA splicing. This variant is absent from population databases. The currently available literature and clinical evidence are not sufficient to establish a definitive association between this variant and the reported condition. Therefore, this variant is classified as a variant of uncertain significance.

PreventionGenetics, part of Exact Sciences
Classification: Uncertain significance for TTN-related condition. Last evaluated: 2025-09-09. Review status: criteria provided, single submitter. Criteria: ACMG Guidelines, 2015. Collection method: clinical testing. Allele origin: germline.
Comment: The TTN c.38122+2T>C variant is predicted to disrupt the GT donor site and interfere with normal splicing. This variant was reported in a pediatric patient with acute myocarditis (Kontorovich et al. 2021 PubMed ID: 34228484). This variant was also reported in a study of early-onset atrial fibrillation but was seen in both cases and controls (eTable 5, Choi et al. 2018. PubMed ID: 30535219). RNAseq studies from heart tissue indicate this exon is not commonly included in TTN mRNA transcripts (PSI of 4%-12%, Roberts et al. 2015. PubMed ID: 25589632). TTN loss-of-function variants occurring in non-constitutively expressed exons (PSI < 90%) are less likely to be disease causing for TTN cardiac-related disorders (Roberts et al. 2015. PubMed ID: 25589632; Schafer et al. 2017. PubMed ID: 27869827; Akhtar et al. 2020. PubMed ID: 32964742). Many cases of recessive TTN-related myopathies in which the individual is compound heterozygous for two loss-of-function variants in TTN have also been reported (Oates et al. 2018. PubMed ID: 29691892; Ge et al. 2019. PubMed ID: 31053406; Rees et al. 2021. PubMed ID: 33449170). This variant is reported in 0.029% of alleles in individuals of European (Non-Finnish) descent in gnomAD but occurs in a highly paralogous region, therefore allele frequency data should be interpreted with caution. Taken together, this variant is interpreted as a variant of uncertain significance for autosomal dominant TTN-related disorders. Although we suspect this variant may be pathogenic for autosomal recessive TTN-related congenital titinopathies, at this time, the clinical significance of this variant is uncertain due to the absence of conclusive functional and genetic evidence.

Blueprint Genetics
Classification: Uncertain significance. Last evaluated: 2024-11-20. Review status: criteria provided, single submitter. Criteria: ACMG Guidelines, 2015. Collection method: clinical testing. Allele origin: germline.

Department of Pathology and Laboratory Medicine, Sinai Health System
Classification: Likely pathogenic for Early-onset myopathy with fatal cardiomyopathy; Myopathy, myofibrillar, 9, with early respiratory failure. Last evaluated: 2023-07-13. Review status: criteria provided, single submitter. Criteria: ACMG Guidelines, 2015. Collection method: research. Allele origin: germline.

AiLife Diagnostics
Classification: Likely pathogenic. Last evaluated: 2022-02-23. Review status: criteria provided, single submitter. Criteria: ACMG Guidelines, 2015. Collection method: clinical testing. Allele origin: germline. Affected: yes. Observed: 1 variant allele.

GeneDx
Classification: Uncertain significance. Last evaluated: 2020-10-08. Review status: criteria provided, single submitter. Criteria: GeneDx Variant Classification Process June 2021. Collection method: clinical testing. Allele origin: germline. Affected: yes.
Comment: Canonical splice site variant in an alternate transcript of the TTN gene where no variants have been reported in the Human Gene Mutation Database in association with cardiomyopathy (Stenson et al., 2014); This variant is associated with the following publications: (PMID: 30535219)